The following is an entry in ClinVar:

NC_012920.1(MT-ATP6):m.8617A>G

Gene: MT-ATP6 (mitochondrially encoded ATP synthase 6; plus strand).
Variant type: single nucleotide variant.
Genome position: chrM-8617-A-G.
Identifiers: ClinVar variation 692926 (VCV000692926.1), dbSNP rs1603221641, ClinGen allele CA414796958.
Genomic context (GRCh38, chrMT:8,617, plus strand): 5'-GCCCCCACAATCCTAGGCCTACCCGCCGCAGTACTGATCATTCTATTTCCCCCTCTATTG[A>G]TCCCCACCTCCAAATATCTCATCAACAACCGACTAATCACCACCCAACAATGACTAATCA-3'

ClinVar aggregate classification (germline): Likely benign (1 of 4 stars; one submission).

Conditions:
Leigh syndrome (NULS). Also called: Leigh's necrotizing encephalopathy; Leigh's disease; Leigh Syndrome (mtDNA deletion); Leigh Disease; Subacute necrotizing encephalopathy; Necrotizing encephalopathy infantile subacute of Leigh. Identifiers: Orphanet 506, MedGen C2931891, MONDO:0009723, OMIM 256000.

Submission:

Wong Mito Lab, Molecular and Human Genetics, Baylor College of Medicine
Classification: Likely benign for Leigh syndrome. Last evaluated: 2019-10-17. Review status: criteria provided, single submitter. Criteria: Modified ACMG Guidelines (Unpublished). Collection method: clinical testing. Allele origin: germline.
Comment: The NC_012920.1:m.8617A>G (YP_003024031.1:p.Ile31Val) variant in MTATP6 gene is interpretated to be a Likely Benign variant based on the modified ACMG guidelines (unpublished). This variant meets the following evidence codes: BS4, BP4